The following is an entry in ClinVar:

ClinVar aggregate classification (germline): Uncertain significance (0 of 4 stars; one submission).

Conditions:
ADCY3-related disorder. Also called: ADCY3-related condition.

gnomAD v4.1: 5 of 1,613,986 alleles (0.00031%); highest among the groups gnomAD compares: African/African-American, 0.0013%; no homozygotes.

Submission:

PreventionGenetics, part of Exact Sciences
Classification: Uncertain significance for ADCY3-related condition. Last evaluated: 2024-02-19. Review status: no assertion criteria provided. Collection method: clinical testing. Allele origin: germline.
Comment: The ADCY3 c.952G>A variant is predicted to result in the amino acid substitution p.Val318Ile. To our knowledge, this variant has not been reported in the literature. This variant is reported in 0.011% of alleles in individuals of African descent in gnomAD. At this time, the clinical significance of this variant is uncertain due to the absence of conclusive functional and genetic evidence.

NM_004036.5(ADCY3):c.952G>A (p.Val318Ile)

Gene: ADCY3 (adenylate cyclase 3; minus strand). Cytogenetic location: 2p23.3.
Variant type: single nucleotide variant.
Coding change: c.952G>A on transcript NM_004036.5 (MANE Select); coding-DNA position 952, G replaced by A.
Protein change: p.Val318Ile; replaces valine 318 with isoleucine.
Molecular consequence: missense variant.
Genome position (GRCh38, 1-based): chr2:24,842,258, C>T on the plus strand (G>A on the coding strand, the complement: ADCY3 is on the minus strand). VCF-style: chr2-24842258-C-T. GRCh37 (hg19) VCF-style: chr2-25065127-C-T.
Other names: c.952G>A, p.Val318Ile (NM_001320613.2, NM_001377128.1, NM_001377129.1 and 2 more transcripts); c.229G>A, p.Val77Ile (NM_001377131.1); short protein forms V318I, V77I.
Identifiers: ClinVar variation 3355155 (VCV003355155.1).
Genomic context (GRCh38, chr2:24,842,258, plus strand): 5'-ATGCAGCCCTCCACAGCCTGCTCTGCCATCAGAGCCCGCGCCCCGGGCCGGCGTACCTGA[C>T]GTTCTCGTGACGGTACATGTACATGGTGTTGAACTGCTGCTGGTCCTTCTGGCTCTCGTC-3'
Protein context (NP_004027.2, residues 308-328): NTMYMYRHEN[Val318Ile]SILFADIVGF